The following is an entry in ClinVar:

NM_000116.5(TAFAZZIN):c.222C>G (p.Asp74Glu)

Gene: TAFAZZIN (tafazzin, phospholipid-lysophospholipid transacylase; plus strand). Cytogenetic location: Xq28.
Variant type: single nucleotide variant.
Coding change: c.222C>G on transcript NM_000116.5 (MANE Select); coding-DNA position 222, C replaced by G.
Protein change: p.Asp74Glu; replaces aspartic acid 74 with glutamic acid.
Molecular consequence: missense variant. On other transcripts: non-coding transcript variant (1).
Genome position (GRCh38, 1-based): chrX:154,412,198, C>G. VCF-style: chrX-154412198-C-G. GRCh37 (hg19) VCF-style: chrX-153640535-C-G.
Other names: c.276C>G, p.Asp92Glu (NM_001303465.2, NM_001410698.1); c.222C>G, p.Asp74Glu (NM_181311.4, NM_181312.4, NM_181313.4); c.222C>G (NM_000116.3); short protein forms D74E, D92E.
Identifiers: ClinVar variation 2707433 (VCV002707433.4), dbSNP rs2522925157, ClinGen allele CA415180172.

ClinVar aggregate classification (germline): Uncertain significance. Review status: criteria provided, multiple submitters, no conflicts (2 of 4 stars). 2 submissions from 2 submitters: Uncertain significance (2). Last evaluated 2025-01-08.

Conditions:
3-Methylglutaconic aciduria type 2 (BTHS). Also called: Barth syndrome; CARDIOSKELETAL MYOPATHY WITH NEUTROPENIA AND ABNORMAL MITOCHONDRIA. Identifiers: Orphanet 111, MedGen C0574083, MONDO:0010543, OMIM 302060.

Submissions (2):

GeneDx
Classification: Uncertain significance. Last evaluated: 2025-01-08. Review status: criteria provided, single submitter. Criteria: GeneDx Variant Classification Process June 2021. Collection method: clinical testing. Allele origin: germline. Affected: yes.
Comment: Not observed at significant frequency in large population cohorts (gnomAD); In silico analysis supports that this missense variant has a deleterious effect on protein structure/function; Has not been previously published as pathogenic or benign to our knowledge

Labcorp Genetics (formerly Invitae), Labcorp
Classification: Uncertain significance for 3-Methylglutaconic aciduria type 2. Last evaluated: 2024-01-04. Review status: criteria provided, single submitter. Criteria: Invitae Variant Classification Sherloc (09022015). Collection method: clinical testing. Allele origin: germline.
Comment: This sequence change replaces aspartic acid, which is acidic and polar, with glutamic acid, which is acidic and polar, at codon 74 of the TAZ protein (p.Asp74Glu). This variant is not present in population databases (gnomAD no frequency). This variant has not been reported in the literature in individuals affected with TAZ-related conditions. An algorithm developed to predict the effect of missense changes on protein structure and function (PolyPhen-2) suggests that this variant is likely to be disruptive. In summary, the available evidence is currently insufficient to determine the role of this variant in disease. Therefore, it has been classified as a Variant of Uncertain Significance.